The following is an entry in ClinVar:

ClinVar aggregate classification (germline): Uncertain significance (1 of 4 stars; one submission).

Conditions:
Inborn genetic diseases. Identifiers: MedGen C0950123, MeSH D030342.

Submission:

Ambry Genetics
Classification: Uncertain significance for Inborn genetic diseases. Last evaluated: 2025-08-12. Review status: criteria provided, single submitter. Criteria: Ambry Variant Classification Scheme 2023. Collection method: clinical testing. Allele origin: germline.
Comment: The p.C156S variant (also known as c.467G>C), located in coding exon 3 of the MECOM gene, results from a G to C substitution at nucleotide position 467. The cysteine at codon 156 is replaced by serine, an amino acid with dissimilar properties. This amino acid position is conserved. In addition, this alteration is predicted to be tolerated by in silico analysis. Based on the available evidence, the clinical significance of this variant remains unclear.

NM_004991.4(MECOM):c.467G>C (p.Cys156Ser)

Gene: MECOM (MDS1 and EVI1 complex locus; minus strand). Cytogenetic location: 3q26.2.
Variant type: single nucleotide variant.
Coding change: c.467G>C on transcript NM_004991.4 (MANE Select); coding-DNA position 467, G replaced by C.
Protein change: p.Cys156Ser; replaces cysteine 156 with serine.
Molecular consequence: missense variant. On other transcripts: 5 prime UTR variant (12).
Genome position (GRCh38, 1-based): chr3:169,143,741, C>G on the plus strand (G>C on the coding strand, the complement: MECOM is on the minus strand). VCF-style: chr3-169143741-C-G. GRCh37 (hg19) VCF-style: chr3-168861529-C-G.
Other names: c.95G>C, p.Cys32Ser (NM_001105077.4); c.-98G>C (NM_001105078.4, NM_001163999.2, NM_001164000.2 and 9 more transcripts); c.467G>C, p.Cys156Ser (NM_001366466.2, NM_001366473.2); short protein forms C156S, C32S.
Identifiers: ClinVar variation 4105843 (VCV004105843.1).
Genomic context (GRCh38, chr3:169,143,741, plus strand): 5'-AAATCTTTACAACATACCTGATCATTTATCTGGCATGCAACAAGGTTGTGCTGATCATAA[C>G]AGCCAGCGAATCTAATGTACTTGAGCCAGCTTCCAACATCTGGTTGACTGGCATCTATGC-3'
Protein context (NP_004982.2, residues 146-166): SWLKYIRFAG[Cys156Ser]YDQHNLVACQ